The following is an entry in ClinVar:

ClinVar aggregate classification (germline): Uncertain significance. Review status: criteria provided, multiple submitters, no conflicts (2 of 4 stars). 3 submissions from 3 submitters: Uncertain significance (3). Last evaluated 2026-06-01.

Conditions:
Isolated cryptophthalmia. Also called: ANKYLOBLEPHARON, SIMPLE; Cryptophthalmos, unilateral or bilateral, isolated. Identifiers: Orphanet 91396, MedGen C1852453, MONDO:0007410, OMIM 123570.
Fraser syndrome 2 (FRASRS2). Identifiers: MedGen C4540036, MONDO:0054738, OMIM 617666.

Allele frequency attached by ClinVar (database versions not stated): gnomAD 0.00001; TOPMed 0.00002; gnomAD exomes 0.00003 and 0.00005; ExAC 0.00005.
gnomAD v4.1: 51 of 1,614,048 alleles (0.0032%); highest among the groups gnomAD compares: Non-Finnish European, 0.0042%; no homozygotes.

Submissions (3):

CeGaT Center for Human Genetics Tuebingen
Classification: Uncertain significance. Last evaluated: 2026-06-01. Review status: criteria provided, single submitter. Criteria: CeGaT Center For Human Genetics Tuebingen Variant Classification Criteria Version 2. Collection method: clinical testing. Allele origin: germline. Affected: yes. Observed: 1 variant allele.
Comment: FREM2: PM2

Fulgent Genetics
Classification: Uncertain significance for Isolated cryptophthalmia; Fraser syndrome 2. Last evaluated: 2022-01-20. Review status: criteria provided, single submitter. Criteria: ACMG Guidelines, 2015. Collection method: clinical testing. Allele origin: unknown.

Illumina Laboratory Services, Illumina
Classification: Uncertain significance for Fraser syndrome 2. Last evaluated: 2018-01-13. Review status: criteria provided, single submitter. Criteria: ICSL Variant Classification Criteria 13 December 2019. Collection method: clinical testing. Allele origin: germline.

NM_207361.6(FREM2):c.4889T>C (p.Val1630Ala)

Gene: FREM2 (FRAS1 related extracellular matrix 2; plus strand). Cytogenetic location: 13q13.3.
Variant type: single nucleotide variant.
Coding change: c.4889T>C on transcript NM_207361.6 (MANE Select); coding-DNA position 4889, T replaced by C.
Protein change: p.Val1630Ala; replaces valine 1630 with alanine.
Molecular consequence: missense variant.
Genome position (GRCh38, 1-based): chr13:38,692,233, T>C. VCF-style: chr13-38692233-T-C. GRCh37 (hg19) VCF-style: chr13-39266370-T-C.
Other names: short protein forms V1630A.
Identifiers: ClinVar variation 311983 (VCV000311983.8), dbSNP rs746466859, ClinGen allele CA6955088.
Genomic context (GRCh38, chr13:38,692,233, plus strand): 5'-AGTCAAGTGAAGATAGCTTCTCCTTCACAGTGACTGATGGCACCCATACAGACTTCTATG[T>C]TTTTCCTGATACGGTGTTTGAAACAAGGAGACCCCAAGTGATGAAGATCCAGGTCTTGGC-3'
Protein context (NP_997244.4, residues 1620-1640): VTDGTHTDFY[Val1630Ala]FPDTVFETRR